The following is an entry in ClinVar:

ClinVar aggregate classification (germline): Likely pathogenic (1 of 4 stars; one submission).

Conditions:
Dilated cardiomyopathy 1G (CMD1G). Identifiers: Orphanet 154, MedGen C1858763, MONDO:0011400, OMIM 604145.
Autosomal recessive limb-girdle muscular dystrophy type 2J (LGMDR10). Also called: Limb-girdle muscular dystrophy, type 2J; MUSCULAR DYSTROPHY, LIMB-GIRDLE, AUTOSOMAL RECESSIVE 10. Identifiers: Orphanet 140922, MedGen C1837342, MONDO:0012127, OMIM 608807.

Submission:

Labcorp Genetics (formerly Invitae), Labcorp
Classification: Likely pathogenic for Dilated cardiomyopathy 1G; Autosomal recessive limb-girdle muscular dystrophy type 2J. Last evaluated: 2021-02-13. Review status: criteria provided, single submitter. Criteria: Invitae Variant Classification Sherloc (09022015). Collection method: clinical testing. Allele origin: germline.
Comment: In summary, the currently available evidence indicates that the variant is pathogenic, but additional data are needed to prove that conclusively. Therefore, this variant has been classified as Likely Pathogenic. This variant is located in the A band of TTN (PMID: 25589632). Truncating variants in this region are significantly overrepresented in patients affected with dilated cardiomyopathy (PMID: 25589632). Truncating variants in this region have also been reported in individuals affected with autosomal recessive centronuclear myopathy (PMID: 23975875). This variant has not been reported in the literature in individuals with TTN-related conditions. This variant is not present in population databases (ExAC no frequency). This sequence change results in a premature translational stop signal in the TTN gene (p.Lys29086Leufs*5). While this is not anticipated to result in nonsense mediated decay, it is expected to create a truncated TTN protein.

Literature cited by the submitters: PubMed 25589632; PubMed 23975875.

NM_001267550.2(TTN):c.87253delinsTTA (p.Lys29086fs)

Genes: TTN-AS1 (TTN antisense RNA 1; plus strand), TTN (titin; minus strand). Cytogenetic location: 2q31.2.
Variant type: Indel.
Coding change: c.87253delinsTTA on transcript NM_001267550.2 (MANE Select); coding-DNA position 87253, C replaced by TTA.
Protein change: p.Lys29086fs; shifts the reading frame from lysine 29086.
Molecular consequence: frameshift variant.
Genome position (GRCh38, 1-based): chr2:178,558,101, G replaced by TAA on the plus strand (C replaced by TTA on the coding strand, the reverse complement: TTN is on the minus strand). VCF-style: chr2-178558101-G-TAA. GRCh37 (hg19) VCF-style: chr2-179422828-G-TAA.
Other names: c.82330delinsTTA, p.Lys27445fs (NM_001256850.1); c.60058delinsTTA, p.Lys20021fs (NM_003319.4); c.79549delinsTTA, p.Lys26518fs (NM_133378.4); c.60433delinsTTA, p.Lys20146fs (NM_133432.3); c.60634delinsTTA, p.Lys20213fs (NM_133437.4); short protein forms K20213fs, K29086fs, K20021fs, K20146fs, K26518fs, K27445fs.
Identifiers: ClinVar variation 965642 (VCV000965642.6), dbSNP rs1702209747, ClinGen allele CA1139657402.